The following is an entry in ClinVar:

NM_003072.5(SMARCA4):c.4281C>T (p.Ser1427=)

Gene: SMARCA4 (SWI/SNF related BAF chromatin remodeling complex subunit ATPase 4; plus strand). Cytogenetic location: 19p13.2.
Variant type: single nucleotide variant.
Coding change: c.4281C>T on transcript NM_003072.5 (MANE Select); coding-DNA position 4281, C replaced by T.
Protein change: p.Ser1427=; no amino-acid change (serine 1427 retained).
Molecular consequence: synonymous variant. On other transcripts: non-coding transcript variant (1).
Genome position (GRCh38, 1-based): chr19:11,041,417, C>T. VCF-style: chr19-11041417-C-T. GRCh37 (hg19) VCF-style: chr19-11152093-C-T.
Other names: c.4281C>T, p.Ser1427= (NM_001128844.3); c.4191C>T, p.Ser1397= (NM_001128845.2, NM_001128846.2); c.4182C>T, p.Ser1394= (NM_001128847.4, NM_001128848.2, NM_001374457.1); c.4377C>T, p.Ser1459= (NM_001128849.3, NM_001387283.1); c.4377C>T (NM_001128849.1).
Identifiers: ClinVar variation 1102994 (VCV001102994.11), dbSNP rs1240105869, ClinGen allele CA505743848.

ClinVar aggregate classification (germline): Benign/Likely benign. Review status: criteria provided, multiple submitters, no conflicts (2 of 4 stars). 3 submissions from 3 submitters: Benign (1); Likely benign (2). Last evaluated 2026-07-16.

Conditions:
Hereditary cancer-predisposing syndrome. Also called: Hereditary Cancer Syndrome; Hereditary neoplastic syndrome; Neoplastic Syndromes, Hereditary; Tumor predisposition. Identifiers: Orphanet 140162, MedGen C0027672, MeSH D009386, MONDO:0015356.
Rhabdoid tumor predisposition syndrome 2 (RTPS2). Identifiers: Orphanet 231108, Orphanet 69077, MedGen C2750074, MONDO:0013224, OMIM 613325.

Allele frequency attached by ClinVar (database versions not stated): gnomAD exomes below 0.00001.
gnomAD v4.1: 1 of 1,612,260 alleles (0.000062%); highest among the groups gnomAD compares: Admixed American, 0.0017%; no homozygotes.

Submissions (3):

Myriad Genetics, Inc.
Classification: Benign for Rhabdoid tumor predisposition syndrome 2. Last evaluated: 2026-07-16. Review status: criteria provided, single submitter. Criteria: Myriad Autosomal Dominant, Autosomal Recessive and X-Linked Classification Criteria (2023). Collection method: clinical testing. Allele origin: unknown.
Comment: This variant is considered benign. This variant is a silent/synonymous amino acid change and it is not expected to impact splicing.

Ambry Genetics
Classification: Likely benign for Hereditary cancer-predisposing syndrome. Last evaluated: 2023-09-20. Review status: criteria provided, single submitter. Criteria: Ambry Variant Classification Scheme 2023. Collection method: clinical testing. Allele origin: germline.

Labcorp Genetics (formerly Invitae), Labcorp
Classification: Likely benign for Rhabdoid tumor predisposition syndrome 2. Last evaluated: 2023-06-02. Review status: criteria provided, single submitter. Criteria: Invitae Variant Classification Sherloc (09022015). Collection method: clinical testing. Allele origin: germline.